The following is an entry in ClinVar:

ClinVar aggregate classification (germline): Uncertain significance (1 of 4 stars; one submission).

gnomAD v4.1: 259 of 1,613,900 alleles (0.016%); highest among the groups gnomAD compares: Middle Eastern, 0.58%; 2 homozygotes.

Submission:

Ambry Genetics
Classification: Uncertain significance. Last evaluated: 2026-04-14. Review status: criteria provided, single submitter. Criteria: Ambry Variant Classification Scheme 2023. Collection method: clinical testing. Allele origin: germline.
Comment: The c.148A>C (p.K50Q) alteration is located in exon 4 (coding exon 3) of the ST3GAL4 gene. This alteration results from a A to C substitution at nucleotide position 148, causing the lysine (K) at amino acid position 50 to be replaced by a glutamine (Q). Based on data from gnomAD, the C allele has an overall frequency of 0.02% (57/282804) total alleles studied. The highest observed frequency was 0.087% (9/10368) of Ashkenazi Jewish alleles. Based on insufficient or conflicting evidence, the clinical significance of this alteration remains unclear.

NM_001254757.2(ST3GAL4):c.160A>C (p.Lys54Gln)

Gene: ST3GAL4 (ST3 beta-galactoside alpha-2,3-sialyltransferase 4; plus strand). Cytogenetic location: 11q24.2.
Variant type: single nucleotide variant.
Coding change: c.160A>C on transcript NM_001254757.2 (MANE Select); coding-DNA position 160, A replaced by C.
Protein change: p.Lys54Gln; replaces lysine 54 with glutamine.
Molecular consequence: missense variant. On other transcripts: non-coding transcript variant (1).
Genome position (GRCh38, 1-based): chr11:126,407,001, A>C. VCF-style: chr11-126407001-A-C. GRCh37 (hg19) VCF-style: chr11-126276896-A-C.
Other names: c.160A>C, p.Lys54Gln (NM_001254758.2, NM_001348399.2); c.157A>C, p.Lys53Gln (NM_001254759.2); c.223A>C, p.Lys75Gln (NM_001348396.2, NM_001348397.2); c.148A>C, p.Lys50Gln (NM_001348398.2, NM_001348400.2, NM_006278.3); short protein forms K54Q, K50Q, K53Q, K75Q.
Identifiers: ClinVar variation 3322939 (VCV003322939.2).